The following is an entry in ClinVar:

NM_001127212.4(GAGE2A):c.36A>G (p.Arg12=)

Gene: GAGE2A (G antigen 2A; plus strand). Cytogenetic location: Xp11.23.
Variant type: single nucleotide variant.
Coding change: c.36A>G on transcript NM_001127212.4 (MANE Select); coding-DNA position 36, A replaced by G.
Protein change: p.Arg12=; no amino-acid change (arginine 12 retained).
Molecular consequence: synonymous variant.
Genome position (GRCh38, 1-based): chrX:49,590,686, A>G. VCF-style: chrX-49590686-A-G. GRCh37 (hg19) VCF-style: chrX-49355289-A-G.
Identifiers: ClinVar variation 3905321 (VCV003905321.10).

ClinVar aggregate classification (germline): Likely benign (1 of 4 stars; one submission).

Submission:

CeGaT Center for Human Genetics Tuebingen
Classification: Likely benign. Last evaluated: 2025-06-01. Review status: criteria provided, single submitter. Criteria: CeGaT Center For Human Genetics Tuebingen Variant Classification Criteria Version 2. Collection method: clinical testing. Allele origin: germline. Affected: yes. Observed: 1 variant allele.
Comment: GAGE2A: PM2:Supporting, BP4, BP7